The following is an entry in ClinVar:

NM_003705.5(SLC25A12):c.881dup (p.Leu295fs)

Gene: SLC25A12 (solute carrier family 25 member 12; minus strand). Cytogenetic location: 2q31.1.
Variant type: Duplication.
Coding change: c.881dup on transcript NM_003705.5 (MANE Select); coding-DNA position 881, one base duplicated (C; older notation c.881dupC).
Protein change: p.Leu295fs; shifts the reading frame from leucine 295.
Molecular consequence: frameshift variant. On other transcripts: non-coding transcript variant (1).
Genome position (GRCh38, 1-based): chr2:171,826,847, G duplicated on the plus strand (C on the coding strand, the reverse complement: SLC25A12 is on the minus strand); the first of 4 consecutive G bases (chr2:171,826,847-171,826,850); duplicating any one gives the same sequence. VCF-style (leftmost placement, unchanged base first): chr2-171826846-T-TG. GRCh37 (hg19) VCF-style: chr2-172683356-T-TG.
Other names: short protein forms L295fs.
Identifiers: ClinVar variation 2122126 (VCV002122126.4), dbSNP rs2545208061, ClinGen allele CA2580064507.

ClinVar aggregate classification (germline): Pathogenic (1 of 4 stars; one submission).

Submission:

Labcorp Genetics (formerly Invitae), Labcorp
Classification: Pathogenic. Last evaluated: 2022-04-06. Review status: criteria provided, single submitter. Criteria: Invitae Variant Classification Sherloc (09022015). Collection method: clinical testing. Allele origin: germline.
Comment: For these reasons, this variant has been classified as Pathogenic. Algorithms developed to predict the effect of sequence changes on RNA splicing suggest that this variant may disrupt the consensus splice site. This variant has not been reported in the literature in individuals affected with SLC25A12-related conditions. This variant is not present in population databases (gnomAD no frequency). This sequence change creates a premature translational stop signal (p.Leu295Ilefs*3) in the SLC25A12 gene. It is expected to result in an absent or disrupted protein product. Loss-of-function variants in SLC25A12 are known to be pathogenic (PMID: 20015484, 31403263).

Literature cited by the submitters: PubMed 20015484; PubMed 31403263.